The following is an entry in ClinVar:

NM_001367624.2(ZNF469):c.6857C>T (p.Thr2286Ile)

Gene: ZNF469 (zinc finger protein 469; plus strand). Cytogenetic location: 16q24.2.
Variant type: single nucleotide variant.
Coding change: c.6857C>T on transcript NM_001367624.2 (MANE Select); coding-DNA position 6857, C replaced by T.
Protein change: p.Thr2286Ile; replaces threonine 2286 with isoleucine.
Molecular consequence: missense variant.
Genome position (GRCh38, 1-based): chr16:88,434,327, C>T. VCF-style: chr16-88434327-C-T. GRCh37 (hg19) VCF-style: chr16-88500735-C-T.
Other names: NM_001127464.1:c.6773C>T; short protein forms T2286I.
Identifiers: ClinVar variation 2564236 (VCV002564236.2), dbSNP rs1005080218, ClinGen allele CA397107384.

ClinVar aggregate classification (germline): Uncertain significance (1 of 4 stars; one submission).

Conditions:
Cardiovascular phenotype. Identifiers: MedGen CN230736.

Allele frequency attached by ClinVar (database versions not stated): gnomAD exomes below 0.00001; TOPMed below 0.00001.
gnomAD v4.1: 2 of 1,550,312 alleles (0.00013%); highest among the groups gnomAD compares: Non-Finnish European, 0.00017%; no homozygotes.

Submission:

Ambry Genetics
Classification: Uncertain significance for Cardiovascular phenotype. Last evaluated: 2023-04-28. Review status: criteria provided, single submitter. Criteria: Ambry Variant Classification Scheme 2023. Collection method: clinical testing. Allele origin: germline.
Comment: The p.T2258I variant (also known as c.6773C>T), located in coding exon 2 of the ZNF469 gene, results from a C to T substitution at nucleotide position 6773. The threonine at codon 2258 is replaced by isoleucine, an amino acid with similar properties. This amino acid position is conserved. In addition, this alteration is predicted to be tolerated by in silico analysis. Since supporting evidence is limited at this time, the clinical significance of this alteration remains unclear.